The following is an entry in ClinVar:

ClinVar aggregate classification (germline): Likely pathogenic (1 of 4 stars; one submission).

Conditions:
RYR1-related disorder. Also called: RYR1-related condition; RYR1-related disorders. Identifiers: MedGen CN239331.

Submission:

Labcorp Genetics (formerly Invitae), Labcorp
Classification: Likely pathogenic for RYR1-related disorder. Last evaluated: 2021-01-29. Review status: criteria provided, single submitter. Criteria: Invitae Variant Classification Sherloc (09022015). Collection method: clinical testing. Allele origin: germline.
Comment: Algorithms developed to predict the effect of sequence changes on RNA splicing suggest that this variant may disrupt the consensus splice site, but this prediction has not been confirmed by published transcriptional studies. This variant has not been reported in the literature in individuals with RYR1-related conditions. In summary, the currently available evidence indicates that the variant is pathogenic, but additional data are needed to prove that conclusively. Therefore, this variant has been classified as Likely Pathogenic. This sequence change affects a donor splice site in intron 24 of the RYR1 gene. It is expected to disrupt RNA splicing. Variants that disrupt the donor or acceptor splice site typically lead to a loss of protein function (PMID: 16199547), and loss-of-function variants in RYR1 are known to be pathogenic (PMID: 20583297, 20839240, 23919265, 28818389). This variant is not present in population databases (ExAC no frequency).

Literature cited by the submitters: PubMed 16199547; PubMed 20583297; PubMed 20839240; PubMed 23919265; PubMed 28818389.

NM_000540.3(RYR1):c.3178+1G>A

Gene: RYR1 (ryanodine receptor 1; plus strand). Cytogenetic location: 19q13.2.
Variant type: single nucleotide variant.
Coding change: c.3178+1G>A on transcript NM_000540.3 (MANE Select); the canonical splice donor site of the intron after coding-DNA position 3178, G replaced by A.
Molecular consequence: splice donor variant.
Genome position (GRCh38, 1-based): chr19:38,466,399, G>A. VCF-style: chr19-38466399-G-A. GRCh37 (hg19) VCF-style: chr19-38957039-G-A.
Other names: c.3178+1G>A (NM_001042723.2).
Identifiers: ClinVar variation 1473275 (VCV001473275.8), dbSNP rs1161929108, ClinGen allele CA405636046.